The following is an entry in ClinVar:

ClinVar aggregate classification (germline): Benign. Review status: criteria provided, multiple submitters, no conflicts (2 of 4 stars). 10 submissions from 10 submitters: Benign (7). 3 of the submissions do not count toward it. Last evaluated 2026-02-04.

Conditions:
VPS13A-related neurodegenerative disease. Also called: LEVINE-CRITCHLEY SYNDROME; Chorea-acanthocytosis; ACANTHOCYTOSIS WITH NEUROLOGIC DISORDER; Choreoacanthocytosis; Choreaacanthocytosis; VPS13A Disease. Identifiers: Orphanet 2388, MedGen C0393576, MONDO:0008695, OMIM 200150.

Allele frequency attached by ClinVar (database versions not stated): 1000 Genomes Project 30x 0.08104; 1000 Genomes Project 0.08387; gnomAD exomes 0.08953; ExAC 0.09155; TOPMed 0.09915; gnomAD 0.10289 and 0.10477; ESP Exome Variant Server 0.11250.
gnomAD v4.1: 164,663 of 1,612,928 alleles (10%); highest among the groups gnomAD compares: African/African-American, 11%; 8,906 homozygotes.

Submissions (10):

Labcorp Genetics (formerly Invitae), Labcorp
Classification: Benign. Last evaluated: 2026-02-04. Review status: criteria provided, single submitter. Criteria: Invitae Variant Classification Sherloc (09022015). Collection method: clinical testing. Allele origin: germline.

Blueprint Genetics
Classification: Benign. Last evaluated: 2024-11-27. Review status: criteria provided, single submitter. Criteria: ACMG Guidelines, 2015. Collection method: clinical testing. Allele origin: germline.

Mayo Clinic Laboratories, Mayo Clinic
Classification: Benign. Last evaluated: 2022-03-24. Review status: criteria provided, single submitter. Criteria: ACMG Guidelines, 2015. Collection method: clinical testing. Allele origin: germline. Observed: 120 variant alleles.

Genome-Nilou Lab
Classification: Benign for VPS13A-related neurodegenerative disease. Last evaluated: 2021-07-10. Review status: criteria provided, single submitter. Criteria: ACMG Guidelines, 2015. Collection method: clinical testing. Allele origin: germline. Affected: no.

GeneDx
Classification: Benign. Last evaluated: 2018-07-17. Review status: criteria provided, single submitter. Criteria: GeneDx Variant Classification Process June 2021. Collection method: clinical testing. Allele origin: germline. Affected: yes.

Illumina Laboratory Services, Illumina
Classification: Benign for VPS13A-related neurodegenerative disease. Last evaluated: 2018-01-12. Review status: criteria provided, single submitter. Criteria: ICSL Variant Classification Criteria 13 December 2019. Collection method: clinical testing. Allele origin: germline.
Comment: This variant was observed in the ICSL laboratory as part of a predisposition screen in an ostensibly healthy population. It had not been previously curated by ICSL or reported in the Human Gene Mutation Database (HGMD: prior to June 1st, 2018), and was therefore a candidate for classification through an automated scoring system. Utilizing variant allele frequency, disease prevalence and penetrance estimates, and inheritance mode, an automated score was calculated to assess if this variant is too frequent to cause the disease. Based on the score and internal cut-off values, a variant classified as benign is not then subjected to further curation. The score for this variant resulted in a classification of benign for this disease.

Breakthrough Genomics
Classification: Benign. Review status: criteria provided, single submitter. Criteria: ACMG Guidelines, 2015. Collection method: not provided. Allele origin: germline. Inheritance: Autosomal recessive inheritance. Affected: yes.

Natera, Inc.
Classification: Benign for Choreaacanthocytosis. Last evaluated: 2019-11-21. Review status: no assertion criteria provided. Collection method: clinical testing. Allele origin: germline. Not counted in ClinVar's aggregate classification.

Genome Diagnostics Laboratory, Amsterdam University Medical Center
Classification: Benign. Review status: no assertion criteria provided. Collection method: clinical testing. Allele origin: germline. Affected: yes. Study: VKGL Data-share Consensus. Not counted in ClinVar's aggregate classification.

Genome Diagnostics Laboratory, University Medical Center Utrecht
Classification: Benign. Review status: no assertion criteria provided. Collection method: clinical testing. Allele origin: germline. Affected: yes. Study: VKGL Data-share Consensus. Not counted in ClinVar's aggregate classification.

NM_033305.3(VPS13A):c.3045G>A (p.Pro1015=)

Gene: VPS13A (vacuolar protein sorting 13 homolog A; plus strand). Cytogenetic location: 9q21.2.
Variant type: single nucleotide variant.
Coding change: c.3045G>A on transcript NM_033305.3 (MANE Select); coding-DNA position 3045, G replaced by A.
Protein change: p.Pro1015=; no amino-acid change (proline 1015 retained).
Molecular consequence: synonymous variant.
Genome position (GRCh38, 1-based): chr9:77,282,201, G>A. VCF-style: chr9-77282201-G-A. GRCh37 (hg19) VCF-style: chr9-79897117-G-A.
Other names: p.Pro1015=; c.3045G>A, p.Pro1015= (NM_001018037.2, NM_001018038.3, NM_015186.4).
Identifiers: ClinVar variation 367371 (VCV000367371.26), dbSNP rs11145366, ClinGen allele CA5092130.